The following is an entry in ClinVar:

ClinVar aggregate classification (germline): Uncertain significance (1 of 4 stars; one submission).

gnomAD v4.1: 5 of 1,613,954 alleles (0.00031%); highest among the groups gnomAD compares: Admixed American, 0.0017%; no homozygotes.

Submission:

Labcorp Genetics (formerly Invitae), Labcorp
Classification: Uncertain significance. Last evaluated: 2022-09-12. Review status: criteria provided, single submitter. Criteria: Invitae Variant Classification Sherloc (09022015). Collection method: clinical testing. Allele origin: germline.
Comment: This sequence change replaces proline, which is neutral and non-polar, with leucine, which is neutral and non-polar, at codon 869 of the MTTP protein (p.Pro869Leu). This variant is present in population databases (no rsID available, gnomAD 0.003%). This variant has not been reported in the literature in individuals affected with MTTP-related conditions. ClinVar contains an entry for this variant (Variation ID: 1354857). Advanced modeling of protein sequence and biophysical properties (such as structural, functional, and spatial information, amino acid conservation, physicochemical variation, residue mobility, and thermodynamic stability) has been performed at Invitae for this missense variant, however the output from this modeling did not meet the statistical confidence thresholds required to predict the impact of this variant on MTTP protein function. In summary, the available evidence is currently insufficient to determine the role of this variant in disease. Therefore, it has been classified as a Variant of Uncertain Significance.

NM_001386140.1(MTTP):c.2606C>T (p.Pro869Leu)

Gene: MTTP (microsomal triglyceride transfer protein; plus strand). Cytogenetic location: 4q23.
Variant type: single nucleotide variant.
Coding change: c.2606C>T on transcript NM_001386140.1 (MANE Select); coding-DNA position 2606, C replaced by T.
Protein change: p.Pro869Leu; replaces proline 869 with leucine.
Molecular consequence: missense variant.
Genome position (GRCh38, 1-based): chr4:99,622,769, C>T. VCF-style: chr4-99622769-C-T. GRCh37 (hg19) VCF-style: chr4-100543926-C-T.
Other names: c.2606C>T, p.Pro869Leu (NM_000253.4); c.2357C>T, p.Pro786Leu (NM_001300785.2); short protein forms P786L, P869L.
Identifiers: ClinVar variation 1354857 (VCV001354857.5), dbSNP rs764748157, ClinGen allele CA357520462.